The following is an entry in ClinVar:

NM_000051.4(ATM):c.3785G>A (p.Arg1262Lys)

Gene: ATM (ATM serine/threonine kinase; plus strand). Cytogenetic location: 11q22.3.
Variant type: single nucleotide variant.
Coding change: c.3785G>A on transcript NM_000051.4 (MANE Select); coding-DNA position 3785, G replaced by A.
Protein change: p.Arg1262Lys; replaces arginine 1262 with lysine.
Molecular consequence: missense variant.
Genome position (GRCh38, 1-based): chr11:108,284,265, G>A. VCF-style: chr11-108284265-G-A. GRCh37 (hg19) VCF-style: chr11-108154992-G-A.
Other names: c.3785G>A, p.Arg1262Lys (NM_001351834.2); short protein forms R1262K.
Identifiers: ClinVar variation 481257 (VCV000481257.13), dbSNP rs786203618, ClinGen allele CA382524551.
Genomic context (GRCh38, chr11:108,284,265, plus strand): 5'-TTTTAAATTTTTCTATTTTTAGATCTTGTTATAAGGTTTTGATTCCACATCTGGTGATTA[G>A]AAGTCATTTTGATGAGGTGAAGTCCATTGCTAATCAGATTCAAGAGGACTGGAAAAGTCT-3'
Protein context (NP_000042.3, residues 1252-1272): YKVLIPHLVI[Arg1262Lys]SHFDEVKSIA

ClinVar aggregate classification (germline): Uncertain significance. Review status: criteria provided, multiple submitters, no conflicts (2 of 4 stars). 3 submissions from 3 submitters: Uncertain significance (3). Last evaluated 2024-12-31.

Conditions:
Hereditary cancer-predisposing syndrome. Also called: Hereditary neoplastic syndrome; Neoplastic Syndromes, Hereditary; Tumor predisposition; Hereditary Cancer Syndrome. Identifiers: Orphanet 140162, MedGen C0027672, MeSH D009386, MONDO:0015356.
Ataxia-telangiectasia syndrome (AT). Also called: LOUIS-BAR SYNDROME; Cerebello-oculocutaneous telangiectasia; Immunodeficiency with ataxia telangiectasia; AT, COMPLEMENTATION GROUP C; Ataxia-telangiectasia, complementation group D; ATAXIA-TELANGIECTASIA, COMPLEMENTATION GROUP A. Identifiers: Orphanet 100, MedGen C0004135, MONDO:0008840, OMIM 208900.

Submissions (3):

Ambry Genetics
Classification: Uncertain significance for Hereditary cancer-predisposing syndrome. Last evaluated: 2024-12-31. Review status: criteria provided, single submitter. Criteria: Ambry Variant Classification Scheme 2023. Collection method: clinical testing. Allele origin: germline.
Comment: The p.R1262K variant (also known as c.3785G>A), located in coding exon 25 of the ATM gene, results from a G to A substitution at nucleotide position 3785. The arginine at codon 1262 is replaced by lysine, an amino acid with highly similar properties. This amino acid position is well conserved in available vertebrate species. In addition, the in silico prediction for this alteration is inconclusive. Based on the available evidence, the clinical significance of this variant remains unclear.

Labcorp Genetics (formerly Invitae), Labcorp
Classification: Uncertain significance for Ataxia-telangiectasia syndrome. Last evaluated: 2024-02-17. Review status: criteria provided, single submitter. Criteria: Invitae Variant Classification Sherloc (09022015). Collection method: clinical testing. Allele origin: germline.
Comment: This sequence change replaces arginine, which is basic and polar, with lysine, which is basic and polar, at codon 1262 of the ATM protein (p.Arg1262Lys). This variant is not present in population databases (gnomAD no frequency). This variant has not been reported in the literature in individuals affected with ATM-related conditions. ClinVar contains an entry for this variant (Variation ID: 481257). An algorithm developed to predict the effect of missense changes on protein structure and function (PolyPhen-2) suggests that this variant is likely to be tolerated. In summary, the available evidence is currently insufficient to determine the role of this variant in disease. Therefore, it has been classified as a Variant of Uncertain Significance.

Quest Diagnostics Nichols Institute San Juan Capistrano
Classification: Uncertain significance. Last evaluated: 2023-11-14. Review status: criteria provided, single submitter. Criteria: Quest Diagnostics criteria. Collection method: clinical testing. Allele origin: unknown.